The following is an entry in ClinVar:

ClinVar aggregate classification (germline): Uncertain significance (1 of 4 stars; one submission).

Submission:

Labcorp Genetics (formerly Invitae), Labcorp
Classification: Uncertain significance. Last evaluated: 2023-12-11. Review status: criteria provided, single submitter. Criteria: Invitae Variant Classification Sherloc (09022015). Collection method: clinical testing. Allele origin: germline.
Comment: This sequence change replaces valine, which is neutral and non-polar, with aspartic acid, which is acidic and polar, at codon 1932 of the NOTCH3 protein (p.Val1932Asp). Information on the frequency of this variant in the gnomAD database is not available, as this variant may be reported differently in the database. This variant has not been reported in the literature in individuals affected with NOTCH3-related conditions. An algorithm developed to predict the effect of missense changes on protein structure and function (PolyPhen-2) suggests that this variant is likely to be disruptive. In summary, the available evidence is currently insufficient to determine the role of this variant in disease. Therefore, it has been classified as a Variant of Uncertain Significance.

NM_000435.3(NOTCH3):c.5795_5796delinsAT (p.Val1932Asp)

Gene: NOTCH3 (notch receptor 3; minus strand). Cytogenetic location: 19p13.12.
Variant type: Indel.
Coding change: c.5795_5796delinsAT on transcript NM_000435.3 (MANE Select); coding-DNA positions 5795 to 5796, TC replaced by AT.
Protein change: p.Val1932Asp; replaces valine 1932 with aspartic acid.
Molecular consequence: missense variant.
Genome position (GRCh38, 1-based): chr19:15,165,387-15,165,388, GA replaced by AT on the plus strand (TC replaced by AT on the coding strand, the reverse complement: NOTCH3 is on the minus strand). VCF-style: chr19-15165387-GA-AT. GRCh37 (hg19) VCF-style: chr19-15276198-GA-AT.
Other names: short protein forms V1932D.
Identifiers: ClinVar variation 2742479 (VCV002742479.3), dbSNP rs2512615999, ClinGen allele CA2697556381.